The following is an entry in ClinVar:

NM_000540.3(RYR1):c.6548+6A>G

Gene: RYR1 (ryanodine receptor 1; plus strand). Cytogenetic location: 19q13.2.
Variant type: single nucleotide variant.
Coding change: c.6548+6A>G on transcript NM_000540.3 (MANE Select); 6 bases into the intron after coding-DNA position 6548, A replaced by G.
Molecular consequence: intron variant.
Genome position (GRCh38, 1-based): chr19:38,494,631, A>G. VCF-style: chr19-38494631-A-G. GRCh37 (hg19) VCF-style: chr19-38985271-A-G.
Other names: c.6548+6A>G (NM_001042723.2).
Identifiers: ClinVar variation 1375295 (VCV001375295.4), dbSNP rs200428808, ClinGen allele CA068375.
Genomic context (GRCh38, chr19:38,494,631, plus strand): 5'-TGCTCATCGTGCAGATGGGCCCCCAGGAGGAGAACCTCATGATCCAGAGCATCGGGTGAG[A>G]CACCGCCCTTCCCCCTTACTTTGCATATCCCCTTGGGTAATGAATACCCTCAGGATACAA-3'

ClinVar aggregate classification (germline): Uncertain significance. Review status: criteria provided, multiple submitters, no conflicts (2 of 4 stars). 2 submissions from 2 submitters: Uncertain significance (2). Last evaluated 2023-04-28.

Conditions:
RYR1-related disorder. Also called: RYR1-related condition; RYR1-related disorders. Identifiers: MedGen CN239331.
Malignant hyperthermia, susceptibility to, 1 (MHS1). Also called: Malignant hyperthermia suceptibility 1; RYR1-Related Malignant Hyperthermia Susceptibility; Anesthesia related hyperthermia; Malignant hyperpyrexia; Fulminating hyperpyrexia; Pharmacogenic myopathy. Identifiers: Orphanet 423, MedGen C2930980, MONDO:0007783, OMIM 145600.

Allele frequency attached by ClinVar (database versions not stated): gnomAD exomes below 0.00001 and 0.00001; TOPMed below 0.00001; ExAC 0.00001; gnomAD 0.00001.
gnomAD v4.1: 11 of 1,613,850 alleles (0.00068%); highest among the groups gnomAD compares: Non-Finnish European, 0.00093%; no homozygotes.

Submissions (2):

All of Us Research Program, National Institutes of Health
Classification: Uncertain significance for Malignant hyperthermia, susceptibility to, 1. Last evaluated: 2023-04-28. Review status: criteria provided, single submitter. Criteria: ACMG Guidelines, 2015. Collection method: clinical testing. Allele origin: germline. Inheritance: Autosomal dominant inheritance. Observed: 2 variant alleles, 2 heterozygotes.
Comment: This variant causes an A to G nucleotide substitution at the +6 position of intron 39 of the RYR1 gene. To our knowledge, functional studies have not been reported for this variant. This variant has not been reported in individuals affected with RYR1-related disorders in the literature. This variant has been identified in 1/249040 chromosomes in the general population by the Genome Aggregation Database (gnomAD). The available evidence is insufficient to determine the role of this variant in disease conclusively. Therefore, this variant is classified as a Variant of Uncertain Significance.

This study involves interpretation of variants in research participants for the purpose of population health screening. Participant phenotype was not available at the time of variant classification. Additional details can be found in publication PMID: 35346344, PMCID: PMC8962531

Labcorp Genetics (formerly Invitae), Labcorp
Classification: Uncertain significance for RYR1-related disorder. Last evaluated: 2021-09-25. Review status: criteria provided, single submitter. Criteria: Invitae Variant Classification Sherloc (09022015). Collection method: clinical testing. Allele origin: germline.
Comment: This sequence change falls in intron 39 of the RYR1 gene. It does not directly change the encoded amino acid sequence of the RYR1 protein. It affects a nucleotide within the consensus splice site of the intron. This variant is present in population databases (rs200428808, ExAC 0.002%). This variant has not been reported in the literature in individuals with RYR1-related conditions. Nucleotide substitutions within the consensus splice site are a relatively common cause of aberrant splicing (PMID: 17576681, 9536098). Algorithms developed to predict the effect of sequence changes on RNA splicing suggest that this variant is not likely to affect RNA splicing, but this prediction has not been confirmed by published transcriptional studies. In summary, the available evidence is currently insufficient to determine the role of this variant in disease. Therefore, it has been classified as a Variant of Uncertain Significance.

Literature cited by the submitters: PubMed 17576681 (cited by Labcorp Genetics (formerly Invitae), Labcorp); PubMed 9536098 (cited by Labcorp Genetics (formerly Invitae), Labcorp).